The following is an entry in ClinVar:

NM_004036.5(ADCY3):c.1257C>T (p.Thr419=)

Gene: ADCY3 (adenylate cyclase 3; minus strand). Cytogenetic location: 2p23.3.
Variant type: single nucleotide variant.
Coding change: c.1257C>T on transcript NM_004036.5 (MANE Select); coding-DNA position 1257, C replaced by T.
Protein change: p.Thr419=; no amino-acid change (threonine 419 retained).
Molecular consequence: synonymous variant.
Genome position (GRCh38, 1-based): chr2:24,839,971, G>A on the plus strand (C>T on the coding strand, the complement: ADCY3 is on the minus strand). VCF-style: chr2-24839971-G-A. GRCh37 (hg19) VCF-style: chr2-25062840-G-A.
Other names: c.1257C>T, p.Thr419= (NM_001320613.2, NM_001377128.1, NM_001377129.1 and 2 more transcripts); c.534C>T, p.Thr178= (NM_001377131.1).
Identifiers: ClinVar variation 3047885 (VCV003047885.2), dbSNP rs144737666, ClinGen allele CA1554227.
Genomic context (GRCh38, chr2:24,839,971, plus strand): 5'-GACATCAGTCGACCACACGTCGTACTGCCAGCGCTTCTGGCCCAGGACGCCCCCCAGCAC[G>A]GTGCCCGTGTGCACCCCCACACGCATGTCCACCCCAGTCTTGGTCTTCTCCCGCACATAC-3'
Protein context (NP_004027.2, residues 409-429): VDMRVGVHTG[Thr419=]VLGGVLGQKR

ClinVar aggregate classification (germline): Likely benign (0 of 4 stars; one submission).

Conditions:
ADCY3-related disorder. Also called: ADCY3-related condition.

Allele frequency attached by ClinVar (database versions not stated): ExAC 0.00001; gnomAD 0.00001; gnomAD exomes 0.00004; ESP Exome Variant Server 0.00008.
gnomAD v4.1: 59 of 1,613,694 alleles (0.0037%); highest among the groups gnomAD compares: Non-Finnish European, 0.0046%; no homozygotes.

Submission:

PreventionGenetics, part of Exact Sciences
Classification: Likely benign for ADCY3-related condition. Last evaluated: 2022-09-30. Review status: no assertion criteria provided. Collection method: clinical testing. Allele origin: germline.
Comment: This variant is classified as likely benign based on ACMG/AMP sequence variant interpretation guidelines (Richards et al. 2015 PMID: 25741868, with internal and published modifications).